The following is an entry in ClinVar:

NM_018489.3(ASH1L):c.7853A>G (p.Tyr2618Cys)

Genes: ASH1L (ASH1 like histone lysine methyltransferase; minus strand), MIR555 (microRNA 555; minus strand). Cytogenetic location: 1q22.
Variant type: single nucleotide variant.
Coding change: c.7853A>G on transcript NM_018489.3 (MANE Select); coding-DNA position 7853, A replaced by G.
Protein change: p.Tyr2618Cys; replaces tyrosine 2618 with cysteine.
Molecular consequence: missense variant. On other transcripts: non-coding transcript variant (1).
Genome position (GRCh38, 1-based): chr1:155,346,420, T>C on the plus strand (A>G on the coding strand, the complement: ASH1L is on the minus strand). VCF-style: chr1-155346420-T-C. GRCh37 (hg19) VCF-style: chr1-155316211-T-C.
Other names: c.7868A>G, p.Tyr2623Cys (NM_001366177.2); short protein forms Y2618C, Y2623C.
Identifiers: ClinVar variation 4056986 (VCV004056986.1).

ClinVar aggregate classification (germline): Uncertain significance (1 of 4 stars; one submission).

Submission:

GeneDx
Classification: Uncertain significance. Last evaluated: 2025-01-08. Review status: criteria provided, single submitter. Criteria: GeneDx Variant Classification Process June 2021. Collection method: clinical testing. Allele origin: germline. Affected: yes.
Comment: Not observed at significant frequency in large population cohorts (gnomAD); In silico analysis supports that this missense variant has a deleterious effect on protein structure/function; Has not been previously published as pathogenic or benign to our knowledge